The following is an entry in ClinVar:

ClinVar aggregate classification (germline): Benign. Review status: criteria provided, multiple submitters, no conflicts (2 of 4 stars). 3 submissions from 3 submitters: Benign (2). 1 of the submissions does not count toward it. Last evaluated 2026-01-29.

Conditions:
ANK3-related disorder. Also called: ANK3-related condition.

Allele frequency attached by ClinVar (database versions not stated): ESP Exome Variant Server 0.00046; gnomAD 0.00240 and 0.00373; gnomAD exomes 0.00301 and 0.00785; TOPMed 0.00365; ExAC 0.00781; 1000 Genomes Project 30x 0.02108; 1000 Genomes Project 0.02236.
gnomAD v4.1: 5,124 of 1,613,670 alleles (0.32%); highest among the groups gnomAD compares: East Asian, 7.6%; 190 homozygotes.

Submissions (3):

Labcorp Genetics (formerly Invitae), Labcorp
Classification: Benign. Last evaluated: 2026-01-29. Review status: criteria provided, single submitter. Criteria: Invitae Variant Classification Sherloc (09022015). Collection method: clinical testing. Allele origin: germline.

Breakthrough Genomics
Classification: Benign. Review status: criteria provided, single submitter. Criteria: ACMG Guidelines, 2015. Collection method: not provided. Allele origin: germline. Inheritance: Autosomal recessive inheritance. Affected: yes.

PreventionGenetics, part of Exact Sciences
Classification: Benign for ANK3-related condition. Last evaluated: 2023-12-31. Review status: no assertion criteria provided. Collection method: clinical testing. Allele origin: germline. Not counted in ClinVar's aggregate classification.
Comment: This variant is classified as benign based on ACMG/AMP sequence variant interpretation guidelines (Richards et al. 2015 PMID: 25741868, with internal and published modifications).

NM_020987.5(ANK3):c.1266C>T (p.His422=)

Gene: ANK3 (ankyrin 3; minus strand). Cytogenetic location: 10q21.2.
Variant type: single nucleotide variant.
Coding change: c.1266C>T on transcript NM_020987.5 (MANE Select); coding-DNA position 1266, C replaced by T.
Protein change: p.His422=; no amino-acid change (histidine 422 retained).
Molecular consequence: synonymous variant.
Genome position (GRCh38, 1-based): chr10:60,205,819, G>A on the plus strand (C>T on the coding strand, the complement: ANK3 is on the minus strand). VCF-style: chr10-60205819-G-A. GRCh37 (hg19) VCF-style: chr10-61965577-G-A.
Other names: c.1248C>T, p.His416= (NM_001204403.2); c.1215C>T, p.His405= (NM_001204404.2); c.1266C>T, p.His422= (NM_001320874.2).
Identifiers: ClinVar variation 712382 (VCV000712382.14), dbSNP rs2297978, ClinGen allele CA5513201.
Genomic context (GRCh38, chr10:60,205,819, plus strand): 5'-CTCAGGACTCCCAGAAATCTTAACTCTTCTCACCTCGGTTACAGCTTGGATGGATGCACC[G>A]TGTTTCAGAAGGAGTTCCATTACTTTAATTCGATTCTTCTTGCAGGCAATATGAAGAGGG-3'
Protein context (NP_066267.2, residues 412-432): RIKVMELLLK[His422=]GASIQAVTES